The following is an entry in ClinVar:

ClinVar aggregate classification (germline): Uncertain significance (1 of 4 stars; one submission).

Conditions:
Developmental delay with or without dysmorphic facies and autism. Identifiers: MedGen C5193106, MONDO:0032760, OMIM 618454.

Submission:

Victorian Clinical Genetics Services, Murdoch Childrens Research Institute
Classification: Uncertain significance for Developmental delay with or without dysmorphic facies and autism. Last evaluated: 2024-09-20. Review status: criteria provided, single submitter. Criteria: ACMG Guidelines, 2015. Collection method: clinical testing. Allele origin: germline. Inheritance: Autosomal dominant inheritance. Affected: yes.
Comment: Based on the classification scheme VCGS_Germline_v1.3.4, this variant is classified as VUS-3B. Following criteria are met: 0102 - Loss of function is a likely mechanism of disease in this gene and is associated with developmental delay with or without dysmorphic facies and autism (MIM#618454). (I) 0107 - This gene is associated with autosomal dominant disease. (I) 0201 - Variant is predicted to cause nonsense-mediated decay (NMD) and loss of protein (premature termination codon is located at least 54 nucleotides upstream of the final exon-exon junction). (SP) 0251 - This variant is heterozygous. (I) 0301 - Variant is absent from gnomAD (both v2 and v3). (SP) 0710 - Other NMD-predicted variants comparable to the one identified in this case have inconclusive previous evidence for pathogenicity. ClinVar contains one NMD-predicted variant classified as likely pathogenic, and seven NMD-predicted variants classified as VUS. (I) 0807 - This variant has no previous evidence of pathogenicity. (I) 0905 - No published segregation evidence has been identified for this variant. (I) 1007 - No published functional evidence has been identified for this variant. (I) Legend: (SP) - Supporting pathogenic, (I) - Information, (SB) - Supporting benign

NM_001375524.1(TRRAP):c.1036C>T (p.Gln346Ter)

Gene: TRRAP (transformation/transcription domain associated protein; plus strand). Cytogenetic location: 7q22.1.
Variant type: single nucleotide variant.
Coding change: c.1036C>T on transcript NM_001375524.1 (MANE Select); coding-DNA position 1036, C replaced by T.
Protein change: p.Gln346Ter; replaces glutamine 346 with a stop codon.
Molecular consequence: nonsense.
Genome position (GRCh38, 1-based): chr7:98,903,517, C>T. VCF-style: chr7-98903517-C-T. GRCh37 (hg19) VCF-style: chr7-98501140-C-T.
Other names: c.1036C>T, p.Gln346Ter (NM_001244580.2, NM_003496.4); short protein forms Q346*.
Identifiers: ClinVar variation 3255084 (VCV003255084.2), dbSNP rs2484690895.